The following is an entry in ClinVar:

ClinVar aggregate classification (germline): Uncertain significance (1 of 4 stars; one submission).

Submission:

GeneDx
Classification: Uncertain significance. Last evaluated: 2023-10-13. Review status: criteria provided, single submitter. Criteria: GeneDx Variant Classification Process June 2021. Collection method: clinical testing. Allele origin: germline. Affected: yes.
Comment: Not observed at significant frequency in large population cohorts (gnomAD); In silico analysis supports that this missense variant does not alter protein structure/function; Has not been previously published as pathogenic or benign to our knowledge

NM_001378457.1(DMXL2):c.7708C>A (p.Pro2570Thr)

Gene: DMXL2 (Dmx like 2; minus strand). Cytogenetic location: 15q21.2.
Variant type: single nucleotide variant.
Coding change: c.7708C>A on transcript NM_001378457.1 (MANE Select); coding-DNA position 7708, C replaced by A.
Protein change: p.Pro2570Thr; replaces proline 2570 with threonine.
Molecular consequence: missense variant. On other transcripts: non-coding transcript variant (1), intron variant (2).
Genome position (GRCh38, 1-based): chr15:51,464,775, G>T on the plus strand (C>A on the coding strand, the complement: DMXL2 is on the minus strand). VCF-style: chr15-51464775-G-T. GRCh37 (hg19) VCF-style: chr15-51756972-G-T.
Other names: c.7708C>A, p.Pro2570Thr (NM_001174116.3, NM_001378461.1); c.5797C>A, p.Pro1933Thr (NM_001174117.3); c.7705C>A, p.Pro2569Thr (NM_001378458.1, NM_001378462.1, NM_015263.5); c.5686C>A, p.Pro1896Thr (NM_001378460.1); c.7465C>A, p.Pro2489Thr (NM_001378464.1); c.7521-1279C>A (NM_001378459.1); c.7606+791C>A (NM_001378463.1); short protein forms P1896T, P1933T, P2489T, P2569T, P2570T.
Identifiers: ClinVar variation 3365999 (VCV003365999.1).